The following is an entry in ClinVar:

ClinVar aggregate classification (germline): Benign/Likely benign. Review status: criteria provided, multiple submitters, no conflicts (2 of 4 stars). 3 submissions from 3 submitters: Benign (1); Likely benign (2). Last evaluated 2026-09-01.

Allele frequency attached by ClinVar (database versions not stated): gnomAD exomes 0.00301 and 0.00452; 1000 Genomes Project 30x 0.00390; ESP Exome Variant Server 0.00408; gnomAD 0.00409 and 0.00429; TOPMed 0.00477; ExAC 0.00287; 1000 Genomes Project 0.00300.
gnomAD v4.1: 7,158 of 1,614,060 alleles (0.44%); highest among the groups gnomAD compares: Non-Finnish European, 0.54%; 29 homozygotes.

Submissions (3):

CeGaT Center for Human Genetics Tuebingen
Classification: Likely benign. Last evaluated: 2026-09-01. Review status: criteria provided, single submitter. Criteria: CeGaT Center For Human Genetics Tuebingen Variant Classification Criteria Version 2. Collection method: clinical testing. Allele origin: germline. Affected: yes. Observed: 8 variant alleles.
Comment: KCNAB2: BP4, BP7, BS2

Labcorp Genetics (formerly Invitae), Labcorp
Classification: Benign. Last evaluated: 2019-12-31. Review status: criteria provided, single submitter. Criteria: Invitae Variant Classification Sherloc (09022015). Collection method: clinical testing. Allele origin: germline.

Breakthrough Genomics
Classification: Likely benign. Review status: criteria provided, single submitter. Criteria: ACMG Guidelines, 2015. Collection method: not provided. Allele origin: germline. Inheritance: Unknown mechanism. Affected: yes.

NM_001199862.2(KCNAB2):c.390G>A (p.Val130=)

Gene: KCNAB2 (potassium voltage-gated channel subfamily A regulatory beta subunit 2; plus strand). Cytogenetic location: 1p36.31.
Variant type: single nucleotide variant.
Coding change: c.390G>A on transcript NM_001199862.2 (MANE Select); coding-DNA position 390, G replaced by A.
Protein change: p.Val130=; no amino-acid change (valine 130 retained).
Molecular consequence: synonymous variant.
Genome position (GRCh38, 1-based): chr1:6,085,213, G>A. VCF-style: chr1-6085213-G-A. GRCh37 (hg19) VCF-style: chr1-6145273-G-A.
Other names: c.291G>A, p.Val97= (NM_001199860.2, NM_001199861.2, NM_003636.4); c.90G>A, p.Val30= (NM_001199863.2); c.249G>A, p.Val83= (NM_172130.3).
Identifiers: ClinVar variation 767646 (VCV000767646.42), dbSNP rs34975389, ClinGen allele CA555185.
Genomic context (GRCh38, chr1:6,085,213, plus strand): 5'-GTTTGATTTTTCTGTTTGGCTGTGATGAGAGCTCGGTGTCTTGTTTTGCAGGGCTGAAGT[G>A]GTACTGGGAAACATCATTAAGAAGAAAGGATGGAGGTAACGGCCCTGCTCTCTGCGGCCT-3'
Protein context (NP_001186791.1, residues 120-140): AEVYAAGKAE[Val130=]VLGNIIKKKG